The following is an entry in ClinVar:

NM_000153.4(GALC):c.369G>T (p.Glu123Asp)

Gene: GALC (galactosylceramidase; minus strand). Cytogenetic location: 14q31.3.
Variant type: single nucleotide variant.
Coding change: c.369G>T on transcript NM_000153.4 (MANE Select); coding-DNA position 369, G replaced by T.
Protein change: p.Glu123Asp; replaces glutamic acid 123 with aspartic acid.
Molecular consequence: missense variant. On other transcripts: 5 prime UTR variant (2), non-coding transcript variant (1).
Genome position (GRCh38, 1-based): chr14:87,986,562, C>A on the plus strand (G>T on the coding strand, the complement: GALC is on the minus strand). VCF-style: chr14-87986562-C-A. GRCh37 (hg19) VCF-style: chr14-88452906-C-A.
Other names: c.300G>T, p.Glu100Asp (NM_001201401.2); c.291G>T, p.Glu97Asp (NM_001201402.2); c.201G>T, p.Glu67Asp (NM_001424071.1, NM_001424072.1, NM_001424073.1); c.21G>T, p.Glu7Asp (NM_001424074.1, NM_001424075.1); c.-299G>T (NM_001424076.1, NM_001424077.1); short protein forms E67D, E100D, E123D, E7D, E97D.
Identifiers: ClinVar variation 2785710 (VCV002785710.3), dbSNP rs985329057, ClinGen allele CA264711525.
Genomic context (GRCh38, chr14:87,986,562, plus strand): 5'-ATTGGGATTCCTCTTCTTAGCTTCTTTCATCAACCACCACTCGTATCCTCGGAAATAATT[C>A]TCATCTAGTGCATAATGCATGTGGGAGGGCTCAGTGCCGTCTGAATAGAGGAGAGCAAAA-3'
Protein context (NP_000144.2, residues 113-133): EPSHMHYALD[Glu123Asp]NYFRGYEWWL

ClinVar aggregate classification (germline): Uncertain significance (1 of 4 stars; one submission).

Conditions:
Galactosylceramide beta-galactosidase deficiency. Also called: Leukodystrophy, Globoid Cell; GALACTOCEREBROSIDASE DEFICIENCY; GALC DEFICIENCY; GLOBOID CELL LEUKOENCEPHALOPATHY; Krabbe Disease. Identifiers: Orphanet 487, MedGen C0023521, MONDO:0009499, OMIM 245200.

Submission:

Labcorp Genetics (formerly Invitae), Labcorp
Classification: Uncertain significance for Galactosylceramide beta-galactosidase deficiency. Last evaluated: 2023-03-09. Review status: criteria provided, single submitter. Criteria: Invitae Variant Classification Sherloc (09022015). Collection method: clinical testing. Allele origin: germline.
Comment: This sequence change replaces glutamic acid, which is acidic and polar, with aspartic acid, which is acidic and polar, at codon 123 of the GALC protein (p.Glu123Asp). This variant is not present in population databases (gnomAD no frequency). This variant has not been reported in the literature in individuals affected with GALC-related conditions. Advanced modeling of protein sequence and biophysical properties (such as structural, functional, and spatial information, amino acid conservation, physicochemical variation, residue mobility, and thermodynamic stability) performed at Invitae indicates that this missense variant is expected to disrupt GALC protein function. In summary, the available evidence is currently insufficient to determine the role of this variant in disease. Therefore, it has been classified as a Variant of Uncertain Significance.